The following is an entry in ClinVar:

NM_003470.3(USP7):c.10CAG[5] (p.Gln9_Gln10del)

Genes: USP7 (ubiquitin specific peptidase 7; minus strand), USP7-AS1 (USP7 antisense RNA 1; plus strand). Cytogenetic location: 16p13.2.
Variant type: Microsatellite.
Coding change: c.10CAG[5] on transcript NM_003470.3 (MANE Select); five copies in a row of the 3-base unit CAG starting at c.10; the reference has seven copies in a row; two copies, 6 bases deleted.
Protein change: p.Gln9_Gln10del.
Molecular consequence: inframe deletion.
Genome position (GRCh38, 1-based): chr16:8,963,256-8,963,261, CTGCTG deleted on the plus strand (CAGCAG on the coding strand, the reverse complement: USP7 is on the minus strand); deleting any 6 consecutive bases within chr16:8,963,256-8,963,276 gives the same sequence; the position shown is the placement nearest the transcript's 3' end. VCF-style (leftmost placement, unchanged base first): chr16-8963255-TCTGCTG-T. GRCh37 (hg19) VCF-style: chr16-9057112-TCTGCTG-T.
Identifiers: ClinVar variation 1938894 (VCV001938894.2), dbSNP rs749570604, ClinGen allele CA620754385.

ClinVar aggregate classification (germline): Uncertain significance (1 of 4 stars; one submission).

Submission:

Labcorp Genetics (formerly Invitae), Labcorp
Classification: Uncertain significance. Last evaluated: 2022-09-27. Review status: criteria provided, single submitter. Criteria: Invitae Variant Classification Sherloc (09022015). Collection method: clinical testing. Allele origin: germline.
Comment: This variant, c.25_30del, results in the deletion of 2 amino acid(s) of the USP7 protein (p.Gln9_Gln10del), but otherwise preserves the integrity of the reading frame. This variant is present in population databases (no rsID available, gnomAD 0.02%). This variant has not been reported in the literature in individuals affected with USP7-related conditions. Experimental studies and prediction algorithms are not available or were not evaluated, and the functional significance of this variant is currently unknown. In summary, the available evidence is currently insufficient to determine the role of this variant in disease. Therefore, it has been classified as a Variant of Uncertain Significance.